The following is an entry in ClinVar:

ClinVar aggregate classification (germline): Uncertain significance (1 of 4 stars; one submission).

gnomAD v4.1: 3 of 1,472,688 alleles (0.0002%); highest among the groups gnomAD compares: Non-Finnish European, 0.00018%; no homozygotes.

Submission:

Labcorp Genetics (formerly Invitae), Labcorp
Classification: Uncertain significance. Last evaluated: 2023-09-21. Review status: criteria provided, single submitter. Criteria: Invitae Variant Classification Sherloc (09022015). Collection method: clinical testing. Allele origin: germline.
Comment: In summary, the available evidence is currently insufficient to determine the role of this variant in disease. Therefore, it has been classified as a Variant of Uncertain Significance. An algorithm developed to predict the effect of missense changes on protein structure and function (PolyPhen-2) suggests that this variant is likely to be tolerated. This variant has not been reported in the literature in individuals affected with CTF1-related conditions. This sequence change replaces arginine, which is basic and polar, with cysteine, which is neutral and slightly polar, at codon 176 of the CTF1 protein (p.Arg176Cys). This variant is not present in population databases (gnomAD no frequency).

NM_001330.5(CTF1):c.526C>T (p.Arg176Cys)

Genes: CTF1 (cardiotrophin 1; plus strand), LOC130058878 (ATAC-STARR-seq lymphoblastoid silent region 7400; plus strand). Cytogenetic location: 16p11.2.
Variant type: single nucleotide variant.
Coding change: c.526C>T on transcript NM_001330.5 (MANE Select); coding-DNA position 526, C replaced by T.
Protein change: p.Arg176Cys; replaces arginine 176 with cysteine.
Molecular consequence: missense variant. On other transcripts: non-coding transcript variant (1).
Genome position (GRCh38, 1-based): chr16:30,902,459, C>T. VCF-style: chr16-30902459-C-T. GRCh37 (hg19) VCF-style: chr16-30913780-C-T.
Other names: c.523C>T, p.Arg175Cys (NM_001142544.3); short protein forms R175C, R176C.
Identifiers: ClinVar variation 2917526 (VCV002917526.3), dbSNP rs1339248960, ClinGen allele CA395619585.
Genomic context (GRCh38, chr16:30,902,459, plus strand): 5'-GCCGCCACCGCCTCAGCCGCCTCCGCCACCGGGGTCTTCCCCGCCAAGGTGCTGGGGCTC[C>T]GCGTTTGCGGCCTCTACCGCGAGTGGCTGAGCCGCACCGAGGGCGACCTGGGCCAGCTGC-3'
Protein context (NP_001321.1, residues 166-186): GVFPAKVLGL[Arg176Cys]VCGLYREWLS